The following is an entry in ClinVar:

ClinVar aggregate classification (germline): Likely benign. Review status: criteria provided, single submitter (1 of 4 stars). 2 submissions from 2 submitters: Likely benign (1). 1 of the submissions does not count toward it. Last evaluated 2025-12-29.

Conditions:
SLC10A2-related disorder. Also called: SLC10A2-related condition.

Allele frequency attached by ClinVar (database versions not stated): TOPMed 0.00002; ExAC 0.00002; gnomAD 0.00003; ESP Exome Variant Server 0.00008.
gnomAD v4.1: 56 of 1,612,174 alleles (0.0035%); highest among the groups gnomAD compares: Non-Finnish European, 0.0042%; no homozygotes.

Submissions (2):

Labcorp Genetics (formerly Invitae), Labcorp
Classification: Likely benign. Last evaluated: 2025-12-29. Review status: criteria provided, single submitter. Criteria: Invitae Variant Classification Sherloc (09022015). Collection method: clinical testing. Allele origin: germline.

PreventionGenetics, part of Exact Sciences
Classification: Likely benign for SLC10A2-related condition. Last evaluated: 2022-02-25. Review status: no assertion criteria provided. Collection method: clinical testing. Allele origin: germline. Not counted in ClinVar's aggregate classification.
Comment: This variant is classified as likely benign based on ACMG/AMP sequence variant interpretation guidelines (Richards et al. 2015 PMID: 25741868, with internal and published modifications).

NM_000452.3(SLC10A2):c.459C>T (p.Val153=)

Gene: SLC10A2 (solute carrier family 10 member 2; minus strand). Cytogenetic location: 13q33.1.
Variant type: single nucleotide variant.
Coding change: c.459C>T on transcript NM_000452.3 (MANE Select); coding-DNA position 459, C replaced by T.
Protein change: p.Val153=; no amino-acid change (valine 153 retained).
Molecular consequence: synonymous variant.
Genome position (GRCh38, 1-based): chr13:103,058,301, G>A on the plus strand (C>T on the coding strand, the complement: SLC10A2 is on the minus strand). VCF-style: chr13-103058301-G-A. GRCh37 (hg19) VCF-style: chr13-103710651-G-A.
Identifiers: ClinVar variation 3031244 (VCV003031244.4), dbSNP rs201633683, ClinGen allele CA7042215.
Genomic context (GRCh38, chr13:103,058,301, plus strand): 5'-AGTCTTACAGATGGATGACTTACCTATGTTATCATAGGGAATTACGATGCTCCCAGAGTC[G>A]ACCCACATTTTGGTATAGATAAGGAGGCACAGCGGCATCATTCCGAGGGCAAGCAGTGTG-3'
Protein context (NP_000443.2, residues 143-163): LCLLIYTKMW[Val153=]DSGSIVIPYD